The following is an entry in ClinVar:

ClinVar aggregate classification (germline): Uncertain significance (1 of 4 stars; one submission).

Conditions:
Hereditary breast ovarian cancer syndrome. Also called: Hereditary breast and ovarian cancer syndrome (HBOC); Hereditary breast and ovarian cancer; Breast and ovarian cancer; Hereditary breast and/or ovarian cancer syndrome; BRCA1- and BRCA2-Associated Hereditary Breast and Ovarian Cancer; Hereditary breast and ovarian cancer syndrome. Identifiers: Orphanet 145, MedGen C0677776, MeSH D061325, MONDO:0003582. Disease mechanism: loss of function.

Submission:

Labcorp Genetics (formerly Invitae), Labcorp
Classification: Uncertain significance for Hereditary breast ovarian cancer syndrome. Last evaluated: 2025-05-13. Review status: criteria provided, single submitter. Criteria: Invitae Variant Classification Sherloc (09022015). Collection method: clinical testing. Allele origin: germline.
Comment: This sequence change replaces phenylalanine, which is neutral and non-polar, with serine, which is neutral and polar, at codon 861 of the BRCA1 protein (p.Phe861Ser). This variant is not present in population databases (gnomAD no frequency). This variant has not been reported in the literature in individuals affected with BRCA1-related conditions. Invitae Evidence Modeling of protein sequence and biophysical properties (such as structural, functional, and spatial information, amino acid conservation, physicochemical variation, residue mobility, and thermodynamic stability) indicates that this missense variant is expected to disrupt BRCA1 protein function with a positive predictive value of 80%. In summary, the available evidence is currently insufficient to determine the role of this variant in disease. Therefore, it has been classified as a Variant of Uncertain Significance.

NM_007294.4(BRCA1):c.2582T>C (p.Phe861Ser)

Gene: BRCA1 (BRCA1 DNA repair associated; minus strand). Cytogenetic location: 17q21.31.
Variant type: single nucleotide variant.
Coding change: c.2582T>C on transcript NM_007294.4 (MANE Select); coding-DNA position 2582, T replaced by C.
Protein change: p.Phe861Ser; replaces phenylalanine 861 with serine.
Molecular consequence: missense variant. On other transcripts: intron variant (137).
Genome position (GRCh38, 1-based): chr17:43,092,949, A>G on the plus strand (T>C on the coding strand, the complement: BRCA1 is on the minus strand). VCF-style: chr17-43092949-A-G. GRCh37 (hg19) VCF-style: chr17-41244966-A-G.
Other names: c.2438T>C, p.Phe813Ser (NM_001407743.1, NM_001407744.1, NM_001407745.1 and 20 more transcripts); c.2579T>C, p.Phe860Ser (NM_001407644.1, NM_001407645.1, NM_001407860.1 and 22 more transcripts); c.2573T>C, p.Phe858Ser (NM_001407646.1, NM_001407647.1); c.2459T>C, p.Phe820Ser (NM_001407648.1, NM_001407683.1, NM_001407863.1 and 19 more transcripts); c.2456T>C, p.Phe819Ser (NM_001407649.1, NM_001407685.1, NM_001407686.1 and 11 more transcripts); c.2582T>C, p.Phe861Ser (NM_001407652.1, NM_001407684.1, NM_001407854.1 and 30 more transcripts); c.2504T>C, p.Phe835Ser (NM_001407653.1, NM_001407654.1, NM_001407655.1 and 4 more transcripts); c.2441T>C, p.Phe814Ser (NM_001407750.1, NM_001407751.1, NM_001407752.1 and 29 more transcripts); and 41 more; short protein forms F565S, F693S, F733S, F734S, F749S, F750S, F772S, F773S.
Identifiers: ClinVar variation 4800846 (VCV004800846.1).
Genomic context (GRCh38, chr17:43,092,949, plus strand): 5'-TCCTCTTCTGCATTTCCTGGATTTGAAAACGGAGCAAATGACTGGCGCTTTGAAACCTTG[A>G]ATGTATTCTGCAAATACTGAGCATCAAGTTCACTTTCTTCCATTTCTATGCTTGTTTCCC-3'
Protein context (NP_009225.1, residues 851-871): ELDAQYLQNT[Phe861Ser]KVSKRQSFAP